The following is an entry in ClinVar:

NM_000702.4(ATP1A2):c.381+3G>A

Gene: ATP1A2 (ATPase Na+/K+ transporting subunit alpha 2; plus strand). Cytogenetic location: 1q23.2.
Variant type: single nucleotide variant.
Coding change: c.381+3G>A on transcript NM_000702.4 (MANE Select); 3 bases into the intron after coding-DNA position 381, G replaced by A.
Molecular consequence: intron variant.
Genome position (GRCh38, 1-based): chr1:160,123,419, G>A. VCF-style: chr1-160123419-G-A. GRCh37 (hg19) VCF-style: chr1-160093209-G-A.
Identifiers: ClinVar variation 841187 (VCV000841187.7), dbSNP rs1651482706, ClinGen allele CA916082091.

ClinVar aggregate classification (germline): Uncertain significance (1 of 4 stars; one submission).

Conditions:
Familial hemiplegic migraine. Identifiers: MedGen C0338484, MONDO:0000700.

Allele frequency attached by ClinVar (database versions not stated): gnomAD exomes below 0.00001; TOPMed below 0.00001; gnomAD 0.00001.
gnomAD v4.1: 5 of 1,613,934 alleles (0.00031%); highest among the groups gnomAD compares: Non-Finnish European, 0.00025%; no homozygotes.

Submission:

Labcorp Genetics (formerly Invitae), Labcorp
Classification: Uncertain significance for Familial hemiplegic migraine. Last evaluated: 2019-12-30. Review status: criteria provided, single submitter. Criteria: Invitae Variant Classification Sherloc (09022015). Collection method: clinical testing. Allele origin: germline.
Comment: This variant is not present in population databases (ExAC no frequency). This sequence change falls in intron 4 of the ATP1A2 gene. It does not directly change the encoded amino acid sequence of the ATP1A2 protein, but it affects a nucleotide within the consensus splice site of the intron. In summary, the available evidence is currently insufficient to determine the role of this variant in disease. Therefore, it has been classified as a Variant of Uncertain Significance. Nucleotide substitutions within the consensus splice site are a relatively common cause of aberrant splicing (PMID: 17576681, 9536098). Algorithms developed to predict the effect of sequence changes on RNA splicing suggest that this variant is not likely to affect RNA splicing, but this prediction has not been confirmed by published transcriptional studies. This variant has not been reported in the literature in individuals with ATP1A2-related conditions.

Literature cited by the submitters: PubMed 17576681; PubMed 9536098.